The following is an entry in ClinVar:

NM_003482.4(KMT2D):c.6362C>T (p.Ala2121Val)

Gene: KMT2D (lysine methyltransferase 2D; minus strand). Cytogenetic location: 12q13.12.
Variant type: single nucleotide variant.
Coding change: c.6362C>T on transcript NM_003482.4 (MANE Select); coding-DNA position 6362, C replaced by T.
Protein change: p.Ala2121Val; replaces alanine 2121 with valine.
Molecular consequence: missense variant.
Genome position (GRCh38, 1-based): chr12:49,041,408, G>A on the plus strand (C>T on the coding strand, the complement: KMT2D is on the minus strand). VCF-style: chr12-49041408-G-A. GRCh37 (hg19) VCF-style: chr12-49435191-G-A.
Other names: short protein forms A2121V.
Identifiers: ClinVar variation 2147822 (VCV002147822.5), dbSNP rs765985953, ClinGen allele CA6547287.
Genomic context (GRCh38, chr12:49,041,408, plus strand): 5'-CCGTCCGCAGAGGTAGACAAGCCGGCGGGGGTAGTGGGGCTGCCAATGAAAATGGTGGGG[G>A]CAGCAGCGGGGGGCGGGCTGCCCAGTGCCCCTGGCTGCGGGGGAATGCGGAGATGTAGGG-3'
Protein context (NP_003473.3, residues 2111-2131): GALGSPPPAA[Ala2121Val]PTIFIGSPTT

ClinVar aggregate classification (germline): Conflicting classifications of pathogenicity. Review status: criteria provided, conflicting classifications (1 of 4 stars). 2 submissions from 2 submitters: Likely pathogenic (1); Benign (1). Last evaluated 2025-12-30.

Conditions:
Kabuki syndrome. Also called: Kabuki make-up syndrome; NIIKAWA-KUROKI SYNDROME. Identifiers: Orphanet 2322, MedGen C0796004, MONDO:0016512.
Kabuki syndrome 1 (KABUK1). Also called: KMT2D-Related Kabuki Syndrome. Identifiers: Orphanet 2322, MedGen CN030661, MONDO:0007843, OMIM 147920.

Allele frequency attached by ClinVar (database versions not stated): gnomAD exomes 0.00001; ExAC 0.00002; gnomAD 0.00003.
gnomAD v4.1: 17 of 1,607,114 alleles (0.0011%); highest among the groups gnomAD compares: South Asian, 0.011%; no homozygotes.

Submissions (2):

Labcorp Genetics (formerly Invitae), Labcorp
Classification: Benign for Kabuki syndrome. Last evaluated: 2025-12-30. Review status: criteria provided, single submitter. Criteria: Invitae Variant Classification Sherloc (09022015). Collection method: clinical testing. Allele origin: germline.

Laboratory of Prof. Karen Avraham, Tel Aviv University
Classification: Likely pathogenic for Kabuki syndrome 1. Last evaluated: 2024-12-12. Review status: criteria provided, single submitter. Criteria: ACMG Guidelines, 2015. Collection method: research. Allele origin: germline. Inheritance: Autosomal dominant inheritance. Affected: yes. Observed: 1 heterozygote.
Comment: This variant is classified 'Likely pathogenic' by the Deafness Variation Database.